The following is an entry in ClinVar:

NM_001145252.3(CFP):c.1091A>G (p.Gln364Arg)

Gene: CFP (complement factor properdin; minus strand). Cytogenetic location: Xp11.23.
Variant type: single nucleotide variant.
Coding change: c.1091A>G on transcript NM_001145252.3 (MANE Select); coding-DNA position 1091, A replaced by G.
Protein change: p.Gln364Arg; replaces glutamine 364 with arginine.
Molecular consequence: missense variant.
Genome position (GRCh38, 1-based): chrX:47,626,369, T>C on the plus strand (A>G on the coding strand, the complement: CFP is on the minus strand). VCF-style: chrX-47626369-T-C. GRCh37 (hg19) VCF-style: chrX-47485768-T-C.
Other names: c.1091A>G, p.Gln364Arg (NM_002621.2); short protein forms Q364R.
Identifiers: ClinVar variation 4772306 (VCV004772306.1).

ClinVar aggregate classification (germline): Uncertain significance (1 of 4 stars; one submission).

gnomAD v4.1: 9 of 1,211,407 alleles (0.00074%); highest among the groups gnomAD compares: Non-Finnish European, 0.001%; no homozygotes.

Submission:

Labcorp Genetics (formerly Invitae), Labcorp
Classification: Uncertain significance. Last evaluated: 2025-12-10. Review status: criteria provided, single submitter. Criteria: Invitae Variant Classification Sherloc (09022015). Collection method: clinical testing. Allele origin: germline.
Comment: This sequence change replaces glutamine, which is neutral and polar, with arginine, which is basic and polar, at codon 364 of the CFP protein (p.Gln364Arg). This variant is present in population databases (rs759424363, gnomAD 0.005%). This variant has not been reported in the literature in individuals affected with CFP-related conditions. Invitae Evidence Modeling of protein sequence and biophysical properties (such as structural, functional, and spatial information, amino acid conservation, physicochemical variation, residue mobility, and thermodynamic stability) indicates that this missense variant is not expected to disrupt CFP protein function with a negative predictive value of 80%. In summary, the available evidence is currently insufficient to determine the role of this variant in disease. Therefore, it has been classified as a Variant of Uncertain Significance.